The following is an entry in ClinVar:

ClinVar aggregate classification (germline): Pathogenic (1 of 4 stars; one submission).

Conditions:
Hermansky-Pudlak syndrome 3 (HPS3). Identifiers: Orphanet 231512, Orphanet 79430, MedGen C3888001, MONDO:0013555, OMIM 614072.

Submission:

Myriad Genetics, Inc.
Classification: Pathogenic for Hermansky-Pudlak syndrome 3. Last evaluated: 2023-09-09. Review status: criteria provided, single submitter. Criteria: Myriad Autosomal Dominant, Autosomal Recessive and X-Linked Classification Criteria (2023). Collection method: clinical testing. Allele origin: unknown.
Comment: NM_032383.3(HPS3):c.277_278ins13(N93Tfs*9) is expected to be pathogenic in the context of Hermansky-Pudlak syndrome, HPS3-related. This variant is predicted to lead to an abnormal or absent protein product due to the creation of a premature termination codon in HPS3, a gene where loss-of-function variants are known to be pathogenic. Please note: this variant was assessed in the context of healthy population screening.

NM_032383.5(HPS3):c.277_278insCTGTCTCTTATAC (p.Asn93fs)

Gene: HPS3 (HPS3 biogenesis of lysosomal organelles complex 2 subunit 1; plus strand). Cytogenetic location: 3q24.
Variant type: Insertion.
Coding change: c.277_278insCTGTCTCTTATAC on transcript NM_032383.5 (MANE Select); coding-DNA positions 277 to 278, CTGTCTCTTATAC inserted.
Protein change: p.Asn93fs; shifts the reading frame from asparagine 93.
Molecular consequence: frameshift variant. On other transcripts: intron variant (1).
Genome position: GRCh38 VCF-style: chr3-149140063-A-ACTGTCTCTTATAC. GRCh37 (hg19) VCF-style: chr3-148857850-A-ACTGTCTCTTATAC.
Other names: c.218-954_218-953insCTGTCTCTTATAC (NM_001308258.2); short protein forms N93fs.
Identifiers: ClinVar variation 5011623 (VCV005011623.1).